The following is an entry in ClinVar:

NM_001184.4(ATR):c.1147C>T (p.Leu383Phe)

Gene: ATR (ATR checkpoint kinase; minus strand). Cytogenetic location: 3q23.
Variant type: single nucleotide variant.
Coding change: c.1147C>T on transcript NM_001184.4 (MANE Select); coding-DNA position 1147, C replaced by T.
Protein change: p.Leu383Phe; replaces leucine 383 with phenylalanine.
Molecular consequence: missense variant.
Genome position (GRCh38, 1-based): chr3:142,562,255, G>A on the plus strand (C>T on the coding strand, the complement: ATR is on the minus strand). VCF-style: chr3-142562255-G-A. GRCh37 (hg19) VCF-style: chr3-142281097-G-A.
Other names: c.1147C>T, p.Leu383Phe (NM_001354579.2); short protein forms L383F.
Identifiers: ClinVar variation 3221036 (VCV003221036.1), dbSNP rs2473425049, ClinGen allele CA354823566.

ClinVar aggregate classification (germline): Uncertain significance (1 of 4 stars; one submission).

Conditions:
Inborn genetic diseases. Identifiers: MedGen C0950123, MeSH D030342.

Submission:

Ambry Genetics
Classification: Uncertain significance for Inborn genetic diseases. Last evaluated: 2022-11-11. Review status: criteria provided, single submitter. Criteria: Ambry Variant Classification Scheme 2023. Collection method: clinical testing. Allele origin: germline.
Comment: The p.L383F variant (also known as c.1147C>T), located in coding exon 4 of the ATR gene, results from a C to T substitution at nucleotide position 1147. The leucine at codon 383 is replaced by phenylalanine, an amino acid with highly similar properties. This amino acid position is conserved. In addition, this alteration is predicted to be tolerated by in silico analysis. Since supporting evidence is limited at this time, the clinical significance of this alteration remains unclear.